The following is an entry in ClinVar:

NM_033380.3(COL4A5):c.3769C>T (p.Gln1257Ter)

Gene: COL4A5 (collagen type IV alpha 5 chain; plus strand). Cytogenetic location: Xq22.3.
Variant type: single nucleotide variant.
Coding change: c.3769C>T on transcript NM_033380.3 (MANE Select); coding-DNA position 3769, C replaced by T.
Protein change: p.Gln1257Ter; replaces glutamine 1257 with a stop codon.
Molecular consequence: nonsense.
Genome position (GRCh38, 1-based): chrX:108,668,483, C>T. VCF-style: chrX-108668483-C-T. GRCh37 (hg19) VCF-style: chrX-107911713-C-T.
Other names: c.3769C>T, p.Gln1257Ter (NM_000495.5); short protein forms Q1257*.
Identifiers: ClinVar variation 590263 (VCV000590263.3), dbSNP rs1569505812, ClinGen allele CA413849104.

ClinVar aggregate classification (germline): Pathogenic. Review status: criteria provided, multiple submitters, no conflicts (2 of 4 stars). 2 submissions from 2 submitters: Pathogenic (2). Last evaluated 2025-09-24.

Conditions:
X-linked Alport syndrome (ATS1). Also called: COL4A5-Related Nephropathy; NEPHROPATHY AND DEAFNESS, X-LINKED. Identifiers: Orphanet 63, Orphanet 88917, MedGen C4746986, MONDO:0010520, OMIM 301050.

Submissions (2):

Genesolutions, Medical Genetics Institutes, Ho Chi Minh City, Vietnam
Classification: Pathogenic for X-linked Alport syndrome. Last evaluated: 2025-09-24. Review status: criteria provided, single submitter. Criteria: ACMG Guidelines, 2015. Collection method: clinical testing. Allele origin: germline. Affected: yes.

MVZ Dr. Eberhard & Partner Dortmund
Classification: Pathogenic. Last evaluated: 2018-05-11. Review status: criteria provided, single submitter. Criteria: ACMG Guidelines, 2015. Collection method: clinical testing. Allele origin: unknown. Observed: 1 heterozygote.
Comment: The reading frame is interrupted by a prematrue stop at codon 1257 in exon 41. Nonsense mutation c.3700C>T in exon 41 was described as pathogenic, too.